The following is an entry in ClinVar:

NM_001849.4(COL6A2):c.1982G>A (p.Gly661Asp)

Gene: COL6A2 (collagen type VI alpha 2 chain; plus strand). Cytogenetic location: 21q22.3.
Variant type: single nucleotide variant.
Coding change: c.1982G>A on transcript NM_001849.4 (MANE Select); coding-DNA position 1982, G replaced by A.
Protein change: p.Gly661Asp; replaces glycine 661 with aspartic acid.
Molecular consequence: missense variant.
Genome position (GRCh38, 1-based): chr21:46,125,797, G>A. VCF-style: chr21-46125797-G-A. GRCh37 (hg19) VCF-style: chr21-47545711-G-A.
Other names: c.1982G>A, p.Gly661Asp (NM_058174.3, NM_058175.3); short protein forms G661D.
Identifiers: ClinVar variation 1717871 (VCV001717871.6), dbSNP rs2517017260, ClinGen allele CA410539572.

ClinVar aggregate classification (germline): Uncertain significance (1 of 4 stars; one submission).

Conditions:
Bethlem myopathy 1A. Also called: MYOPATHY, BENIGN CONGENITAL, WITH CONTRACTURES; Bethlem Muscular Dystrophy; Bethlem myopathy 1. Identifiers: Orphanet 610, MedGen CN029274, MONDO:0024530, OMIM 158810.

Allele frequency attached by ClinVar (database versions not stated): gnomAD exomes below 0.00001.
gnomAD v4.1: 2 of 1,612,124 alleles (0.00012%); highest among the groups gnomAD compares: Non-Finnish European, 0.00017%; no homozygotes.

Submission:

Labcorp Genetics (formerly Invitae), Labcorp
Classification: Uncertain significance for Bethlem myopathy 1A. Last evaluated: 2022-08-23. Review status: criteria provided, single submitter. Criteria: Invitae Variant Classification Sherloc (09022015). Collection method: clinical testing. Allele origin: germline.
Comment: This sequence change replaces glycine, which is neutral and non-polar, with aspartic acid, which is acidic and polar, at codon 661 of the COL6A2 protein (p.Gly661Asp). This variant is not present in population databases (gnomAD no frequency). This variant has not been reported in the literature in individuals affected with COL6A2-related conditions. Advanced modeling of protein sequence and biophysical properties (such as structural, functional, and spatial information, amino acid conservation, physicochemical variation, residue mobility, and thermodynamic stability) performed at Invitae indicates that this missense variant is expected to disrupt COL6A2 protein function. In summary, the available evidence is currently insufficient to determine the role of this variant in disease. Therefore, it has been classified as a Variant of Uncertain Significance.